The following is an entry in ClinVar:

ClinVar aggregate classification (germline): Conflicting classifications of pathogenicity. Review status: criteria provided, conflicting classifications (1 of 4 stars). 2 submissions from 2 submitters: Pathogenic (1); Uncertain significance (1). Last evaluated 2026-02-26.

Conditions:
Joubert syndrome. Also called: JOUBERT-BOLTSHAUSER SYNDROME; Familial aplasia of the vermis. Identifiers: Orphanet 475, MedGen C5979921, MONDO:0018772.

Allele frequency attached by ClinVar (database versions not stated): gnomAD exomes below 0.00001; gnomAD 0.00001.
gnomAD v4.1: 2 of 1,608,768 alleles (0.00012%); highest among the groups gnomAD compares: Non-Finnish European, 0.00017%; no homozygotes.

Submissions (2):

Women's Health and Genetics/Laboratory Corporation of America, LabCorp
Classification: Uncertain significance. Last evaluated: 2026-02-26. Review status: criteria provided, single submitter. Criteria: LabCorp Variant Classification Summary - May 2015. Collection method: clinical testing. Allele origin: germline.
Comment: Variant summary: AHI1 c.2582G>A (p.Gly861Glu) results in a non-conservative amino acid change in the encoded protein sequence. Algorithms developed to predict the effect of missense changes on protein structure and function all suggest that this variant is likely to be disruptive. The variant was absent in 244274 control chromosomes. c.2582G>A has been observed in individuals affected with Retinitis Pigmentosa or AHI1-related condition (Whelan_2020, Sather_2023, internal data). These data indicate that the variant may be associated with disease. To our knowledge, no experimental evidence demonstrating an impact on protein function has been reported. The following publications have been ascertained in the context of this evaluation (PMID: 37446072, 31963381). ClinVar contains an entry for this variant (Variation ID: 1391928). Based on the evidence outlined above, the variant was classified as VUS-possibly pathogenic.

Labcorp Genetics (formerly Invitae), Labcorp
Classification: Pathogenic for Joubert syndrome. Last evaluated: 2025-05-27. Review status: criteria provided, single submitter. Criteria: Invitae Variant Classification Sherloc (09022015). Collection method: clinical testing. Allele origin: germline.
Comment: This sequence change replaces glycine, which is neutral and non-polar, with glutamic acid, which is acidic and polar, at codon 861 of the AHI1 protein (p.Gly861Glu). This variant is not present in population databases (gnomAD no frequency). This missense change has been observed in individual(s) with AHI1-related conditions (PMID: 31963381; internal data). In at least one individual the data is consistent with being in trans (on the opposite chromosome) from a pathogenic variant. ClinVar contains an entry for this variant (Variation ID: 1391928). Invitae Evidence Modeling of protein sequence and biophysical properties (such as structural, functional, and spatial information, amino acid conservation, physicochemical variation, residue mobility, and thermodynamic stability) indicates that this missense variant is expected to disrupt AHI1 protein function with a positive predictive value of 95%. For these reasons, this variant has been classified as Pathogenic.

Literature cited by the submitters: PubMed 31963381 (cited by Women's Health and Genetics/Laboratory Corporation of America, LabCorp and Labcorp Genetics (formerly Invitae), Labcorp); PubMed 37446072 (cited by Women's Health and Genetics/Laboratory Corporation of America, LabCorp).

NM_001134831.2(AHI1):c.2582G>A (p.Gly861Glu)

Gene: AHI1 (Abelson helper integration site 1; minus strand). Cytogenetic location: 6q23.3.
Variant type: single nucleotide variant.
Coding change: c.2582G>A on transcript NM_001134831.2 (MANE Select); coding-DNA position 2582, G replaced by A.
Protein change: p.Gly861Glu; replaces glycine 861 with glutamic acid.
Molecular consequence: missense variant.
Genome position (GRCh38, 1-based): chr6:135,428,670, C>T on the plus strand (G>A on the coding strand, the complement: AHI1 is on the minus strand). VCF-style: chr6-135428670-C-T. GRCh37 (hg19) VCF-style: chr6-135749808-C-T.
Other names: c.2582G>A, p.Gly861Glu (NM_001134830.2, NM_001134832.2, NM_001350503.2 and 2 more transcripts); short protein forms G861E.
Identifiers: ClinVar variation 1391928 (VCV001391928.7), dbSNP rs1217172210, ClinGen allele CA365742154.